The following is an entry in ClinVar:

ClinVar aggregate classification (germline): Uncertain significance (1 of 4 stars; one submission).

Conditions:
Mucopolysaccharidosis type 7 (MPS7). Also called: MPS VII; SLY SYNDROME; GUSB DEFICIENCY; BETA-GLUCURONIDASE DEFICIENCY. Identifiers: Orphanet 584, MedGen C0085132, MONDO:0009662, OMIM 253220.

Allele frequency attached by ClinVar (database versions not stated): ExAC 0.00001; gnomAD 0.00001.
gnomAD v4.1: 25 of 1,613,648 alleles (0.0015%); highest among the groups gnomAD compares: Non-Finnish European, 0.0018%; no homozygotes.

Submission:

Labcorp Genetics (formerly Invitae), Labcorp
Classification: Uncertain significance for Mucopolysaccharidosis type 7. Last evaluated: 2022-01-17. Review status: criteria provided, single submitter. Criteria: Invitae Variant Classification Sherloc (09022015). Collection method: clinical testing. Allele origin: germline.
Comment: This sequence change replaces leucine, which is neutral and non-polar, with valine, which is neutral and non-polar, at codon 220 of the GUSB protein (p.Leu220Val). This variant is present in population databases (rs760324067, gnomAD 0.004%). This variant has not been reported in the literature in individuals affected with GUSB-related conditions. ClinVar contains an entry for this variant (Variation ID: 1054431). Algorithms developed to predict the effect of missense changes on protein structure and function output the following: SIFT: "Deleterious"; PolyPhen-2: "Possibly Damaging"; Align-GVGD: "Class C0". The valine amino acid residue is found in multiple mammalian species, which suggests that this missense change does not adversely affect protein function. In summary, the available evidence is currently insufficient to determine the role of this variant in disease. Therefore, it has been classified as a Variant of Uncertain Significance.

NM_000181.4(GUSB):c.658C>G (p.Leu220Val)

Gene: GUSB (glucuronidase beta; minus strand). Cytogenetic location: 7q11.21.
Variant type: single nucleotide variant.
Coding change: c.658C>G on transcript NM_000181.4 (MANE Select); coding-DNA position 658, C replaced by G.
Protein change: p.Leu220Val; replaces leucine 220 with valine.
Molecular consequence: missense variant. On other transcripts: non-coding transcript variant (1), intron variant (2).
Genome position (GRCh38, 1-based): chr7:65,979,465, G>C on the plus strand (C>G on the coding strand, the complement: GUSB is on the minus strand). VCF-style: chr7-65979465-G-C. GRCh37 (hg19) VCF-style: chr7-65444452-G-C.
Other names: c.88C>G, p.Leu30Val (NM_001293104.2); c.67+759C>G (NM_001293105.2); c.474+369C>G (NM_001284290.2); short protein forms L220V, L30V.
Identifiers: ClinVar variation 1054431 (VCV001054431.6), dbSNP rs760324067, ClinGen allele CA4276569.
Genomic context (GRCh38, chr7:65,979,465, plus strand): 5'-CTTGCTCCACGCTGGTGGTGACGGTGATGTCATCGATGTAGGTGGTGGGTGTCGTGTACA[G>C]AAGTACAGACCGCTGCAGTCCAGCGTAGTTGAAAAAGTCAAAATATGTGTTCTGGACAAA-3'
Protein context (NP_000172.2, residues 210-230): NYAGLQRSVL[Leu220Val]YTTPTTYIDD